The following is an entry in ClinVar:

NM_000057.4(BLM):c.3421A>C (p.Asn1141His)

Gene: BLM (BLM RecQ like helicase; plus strand). Cytogenetic location: 15q26.1.
Variant type: single nucleotide variant.
Coding change: c.3421A>C on transcript NM_000057.4 (MANE Select); coding-DNA position 3421, A replaced by C.
Protein change: p.Asn1141His; replaces asparagine 1141 with histidine.
Molecular consequence: missense variant. On other transcripts: intron variant (1).
Genome position (GRCh38, 1-based): chr15:90,803,583, A>C. VCF-style: chr15-90803583-A-C. GRCh37 (hg19) VCF-style: chr15-91346813-A-C.
Other names: c.3421A>C, p.Asn1141His (NM_001287246.2); c.2296A>C, p.Asn766His (NM_001287248.2); c.3358+5246A>C (NM_001287247.2); short protein forms N766H, N1141H.
Identifiers: ClinVar variation 2001839 (VCV002001839.5), dbSNP rs2505546982, ClinGen allele CA393847554.

ClinVar aggregate classification (germline): Uncertain significance. Review status: criteria provided, multiple submitters, no conflicts (2 of 4 stars). 2 submissions from 2 submitters: Uncertain significance (2). Last evaluated 2026-03-29.

Conditions:
Hereditary cancer-predisposing syndrome. Also called: Neoplastic Syndromes, Hereditary; Tumor predisposition; Hereditary Cancer Syndrome; Hereditary neoplastic syndrome. Identifiers: Orphanet 140162, MedGen C0027672, MeSH D009386, MONDO:0015356.
Bloom syndrome (BLM). Also called: Bloom-Torre-Machacek syndrome. Identifiers: Orphanet 125, MedGen C0005859, MONDO:0008876, OMIM 210900.

Submissions (2):

Ambry Genetics
Classification: Uncertain significance for Hereditary cancer-predisposing syndrome. Last evaluated: 2026-03-29. Review status: criteria provided, single submitter. Criteria: Ambry Variant Classification Scheme 2023. Collection method: clinical testing. Allele origin: germline.
Comment: The p.N1141H variant (also known as c.3421A>C), located in coding exon 17 of the BLM gene, results from an A to C substitution at nucleotide position 3421. The asparagine at codon 1141 is replaced by histidine, an amino acid with similar properties. This amino acid position is conserved. In addition, this alteration is predicted to be tolerated by in silico analysis. Based on the available evidence, the clinical significance of this variant remains unclear.

Labcorp Genetics (formerly Invitae), Labcorp
Classification: Uncertain significance for Bloom syndrome. Last evaluated: 2022-06-01. Review status: criteria provided, single submitter. Criteria: Invitae Variant Classification Sherloc (09022015). Collection method: clinical testing. Allele origin: germline.
Comment: In summary, the available evidence is currently insufficient to determine the role of this variant in disease. Therefore, it has been classified as a Variant of Uncertain Significance. Algorithms developed to predict the effect of missense changes on protein structure and function are either unavailable or do not agree on the potential impact of this missense change (SIFT: "Deleterious"; PolyPhen-2: "Probably Damaging"; Align-GVGD: "Class C0"). This variant has not been reported in the literature in individuals affected with BLM-related conditions. This variant is not present in population databases (gnomAD no frequency). This sequence change replaces asparagine, which is neutral and polar, with histidine, which is basic and polar, at codon 1141 of the BLM protein (p.Asn1141His).